The following is an entry in ClinVar:

ClinVar aggregate classification (germline): Pathogenic (1 of 4 stars; one submission).

Conditions:
Lynch syndrome 4 (LYNCH4). Also called: Hereditary non-polyposis colorectal cancer, type 4; Colorectal cancer, hereditary nonpolyposis, type 4. Identifiers: Orphanet 144, MedGen C1838333, MONDO:0013699, OMIM 614337. Disease mechanism: loss of function.

Submission:

Myriad Genetics, Inc.
Classification: Pathogenic for Lynch syndrome 4. Last evaluated: 2023-09-21. Review status: criteria provided, single submitter. Criteria: Myriad Autosomal Dominant, Autosomal Recessive and X-Linked Classification Criteria (2023). Collection method: clinical testing. Allele origin: unknown.
Comment: This variant is considered pathogenic. This variant creates a frameshift predicted to result in premature protein truncation.

NM_000535.7(PMS2):c.2050del (p.Leu684fs)

Gene: PMS2 (PMS1 homolog 2, mismatch repair system component; minus strand). Cytogenetic location: 7p22.1.
Variant type: Deletion.
Coding change: c.2050del on transcript NM_000535.7 (MANE Select); coding-DNA position 2050, one base deleted (C; older notation c.2050delC).
Protein change: p.Leu684fs; shifts the reading frame from leucine 684.
Molecular consequence: frameshift variant. On other transcripts: non-coding transcript variant (1), intron variant (4).
Genome position (GRCh38, 1-based): chr7:5,982,948, G deleted on the plus strand (C on the coding strand, the reverse complement: PMS2 is on the minus strand); the first of 2 consecutive G bases (chr7:5,982,948-5,982,949); deleting either gives the same sequence. VCF-style (leftmost placement, unchanged base first): chr7-5982947-AG-A. GRCh37 (hg19) VCF-style: chr7-6022578-AG-A.
Other names: c.1644delC, p.Leu549Trpfs (NM_001018040.1); c.1645del, p.Leu549fs (NM_001322003.2, NM_001322004.2, NM_001322005.2 and 14 more transcripts); c.1894del, p.Leu632fs (NM_001322006.2, NM_001406870.1); c.1732del, p.Leu578fs (NM_001322007.2, NM_001322008.2, NM_001406876.1 and 1 more transcripts); c.1489del, p.Leu497fs (NM_001322010.2, NM_001406906.1, NM_001406907.1); c.1117del, p.Leu373fs (NM_001322011.2, NM_001322012.2); c.1477del, p.Leu493fs (NM_001322013.2, NM_001406909.1); c.2050del, p.Leu684fs (NM_001322014.2, NM_001406871.1); and 17 more; short protein forms L283fs, L373fs, L427fs, L493fs, L497fs, L513fs, L526fs, L529fs.
Identifiers: ClinVar variation 2674243 (VCV002674243.1), dbSNP rs2535548134, ClinGen allele CA2695198406.
Genomic context (GRCh38, chr7:5,982,947, plus strand): 5'-TCCGTGGCATGCTGGTCCACTATGAAGATATCCTCATTCAGTTTGGTTATTATAAATCCC[AG>A]GTTAAACTGACCAATGATTTCCATTTCTGCAAACATCGTTTTACTGCAGGTAGAAAATGT-3'